The following is an entry in ClinVar:

ClinVar aggregate classification (germline): Likely pathogenic (1 of 4 stars; one submission).

Conditions:
Familial adenomatous polyposis 1 (FAP1). Also called: FAMILIAL ADENOMATOUS POLYPOSIS 1, ATTENUATED; POLYPOSIS, ADENOMATOUS INTESTINAL. Identifiers: MedGen C2713442, MONDO:0021056, OMIM 175100. Disease mechanism: loss of function.

Submission:

Myriad Genetics, Inc.
Classification: Likely pathogenic for Familial adenomatous polyposis 1. Last evaluated: 2023-04-27. Review status: criteria provided, single submitter. Criteria: Myriad Autosomal Dominant, Autosomal Recessive and X-Linked Classification Criteria (2023). Collection method: clinical testing. Allele origin: unknown.
Comment: This variant is considered likely pathogenic. This variant occurs within a consensus splice junction and is predicted to result in abnormal mRNA splicing of either an out-of-frame exon or an in-frame exon necessary for protein stability and/or normal function.

NM_000038.6(APC):c.646-68_658del

Gene: APC (APC regulator of Wnt signaling pathway; plus strand). Cytogenetic location: 5q22.2.
Variant type: Deletion.
Coding change: c.646-68_658del on transcript NM_000038.6 (MANE Select); 68 bases into the intron before coding-DNA position 646 through coding-DNA position 658, 81 bases deleted.
Molecular consequence: splice acceptor variant. On other transcripts: intron variant (5).
Genome position (GRCh38, 1-based): chr5:112,792,378-112,792,458, 81 bases deleted. GRCh37 (hg19): chr5:112,128,075-112,128,155.
Other names: c.-390-68_-378del (NM_001407470.1, NM_001407472.1, NM_001354906.2 and 1 more transcripts); c.646-68_658del (NM_001407447.1, NM_001354895.2, NM_001407456.1 and 12 more transcripts); c.646-8901_646-8821del (NM_001407452.1, NM_001407469.1, NM_001354899.2 and 1 more transcripts); c.676-68_688del (NM_001407446.1, NM_001354897.2, NM_001354902.2); c.676-8901_676-8821del (NM_001127511.3); c.469-68_481del (NM_001407453.1, NM_001354900.2, NM_001354901.2 and 1 more transcripts); c.571-68_583del (NM_001407451.1, NM_001354898.2, NM_001354904.2).
Identifiers: ClinVar variation 2583789 (VCV002583789.2), dbSNP rs2532629408, ClinGen allele CA2582341357.